The following is an entry in ClinVar:

NM_001127671.2(LIFR):c.1672-1G>A

Gene: LIFR (LIF receptor subunit alpha; minus strand). Cytogenetic location: 5p13.1.
Variant type: single nucleotide variant.
Coding change: c.1672-1G>A on transcript NM_001127671.2 (MANE Select); the canonical splice acceptor site of the intron before coding-DNA position 1672, G replaced by A.
Molecular consequence: splice acceptor variant.
Genome position (GRCh38, 1-based): chr5:38,496,596, C>T on the plus strand (G>A on the coding strand, the complement: LIFR is on the minus strand). VCF-style: chr5-38496596-C-T. GRCh37 (hg19) VCF-style: chr5-38496698-C-T.
Other names: c.1672-1G>A (NM_002310.6, NM_001364298.2, NM_001364297.2).
Identifiers: ClinVar variation 4815018 (VCV004815018.1).

ClinVar aggregate classification (germline): Likely pathogenic (1 of 4 stars; one submission).

Conditions:
Stuve-Wiedemann syndrome (STWS). Also called: Stüve-Wiedemann syndrome. Identifiers: Orphanet 3206, MedGen C0796176, MONDO:0031280.

Submission:

Natera, Inc.
Classification: Likely pathogenic for Stuve-Wiedemann syndrome. Last evaluated: 2024-02-28. Review status: criteria provided, single submitter. Criteria: Natera Variant Classification Schema (03/2026). Collection method: clinical testing. Allele origin: germline.
Comment: The c.1672-1G>A variant in LIFR is a canonical splice acceptor site variant predicted to affect pre-mRNA splicing, which may result in an abnormal transcript and altered protein product. This variant is expected to result in nonsense mediated decay, truncation, or a dysfunctional protein product. This variant is rare in the general population with a frequency below the threshold expected for the associated phenotype(s). Given the available evidence, this variant is classified as Likely Pathogenic.